The following is an entry in ClinVar:

NM_145331.3(MAP3K7):c.649A>T (p.Ile217Phe)

Gene: MAP3K7 (mitogen-activated protein kinase kinase kinase 7; minus strand). Cytogenetic location: 6q15.
Variant type: single nucleotide variant.
Coding change: c.649A>T on transcript NM_145331.3 (MANE Select); coding-DNA position 649, A replaced by T.
Protein change: p.Ile217Phe; replaces isoleucine 217 with phenylalanine.
Molecular consequence: missense variant.
Genome position (GRCh38, 1-based): chr6:90,553,545, T>A on the plus strand (A>T on the coding strand, the complement: MAP3K7 is on the minus strand). VCF-style: chr6-90553545-T-A. GRCh37 (hg19) VCF-style: chr6-91263264-T-A.
Other names: c.649A>T, p.Ile217Phe (NM_003188.4, NM_145332.3, NM_145333.3); short protein forms I217F.
Identifiers: ClinVar variation 4530026 (VCV004530026.1).
Genomic context (GRCh38, chr6:90,553,545, plus strand): 5'-AAGCTGGGCCACCAATCTCATCAAAGGGTTTCCGACGCGTTATCACTTCCCAAAGAATAA[T>A]ACCCCAGCTGAAGACGTCACATTTTTCACTGTAATTACTACCTAGAAAAAAAAAAGGTAG-3'
Protein context (NP_663304.1, residues 207-227): SEKCDVFSWG[Ile217Phe]ILWEVITRRK

ClinVar aggregate classification (germline): Uncertain significance (1 of 4 stars; one submission).

Conditions:
Abnormal cardiac output. Identifiers: MedGen C5539661, HP:0033528.

Submission:

Clinical Genetics Laboratory, Skane University Hospital Lund
Classification: Uncertain significance for Abnormal cardiac output. Last evaluated: 2025-11-18. Review status: criteria provided, single submitter. Criteria: ACMG Guidelines, 2015. Collection method: clinical testing. Allele origin: germline. Affected: yes.
Comment: PM2, PP3